The following is an entry in ClinVar:

NM_006361.6(HOXB13):c.417_419del (p.Met140del)

Gene: HOXB13 (homeobox B13; minus strand). Cytogenetic location: 17q21.32.
Variant type: Deletion.
Coding change: c.417_419del on transcript NM_006361.6 (MANE Select); coding-DNA positions 417 to 419, 3 bases deleted (TAT; older notation c.417_419delTAT).
Protein change: p.Met140del; deletes methionine 140.
Molecular consequence: inframe deletion.
Genome position (GRCh38, 1-based): chr17:48,728,175-48,728,177, ATA deleted on the plus strand (TAT on the coding strand, the reverse complement: HOXB13 is on the minus strand). VCF-style (leftmost placement, unchanged base first): chr17-48728174-CATA-C. GRCh37 (hg19) VCF-style: chr17-46805536-CATA-C.
Other names: c.417_419delTAT (NM_006361.5); short protein forms M140del.
Identifiers: ClinVar variation 1367220 (VCV001367220.7), dbSNP rs1452685678, ClinGen allele CA772658725.

ClinVar aggregate classification (germline): Uncertain significance. Review status: criteria provided, multiple submitters, no conflicts (2 of 4 stars). 2 submissions from 2 submitters: Uncertain significance (2). Last evaluated 2025-09-14.

Conditions:
Hereditary cancer-predisposing syndrome. Also called: Neoplastic Syndromes, Hereditary; Tumor predisposition; Hereditary neoplastic syndrome; Hereditary Cancer Syndrome. Identifiers: Orphanet 140162, MedGen C0027672, MeSH D009386, MONDO:0015356.

Allele frequency attached by ClinVar (database versions not stated): TOPMed below 0.00001.

Submissions (2):

Labcorp Genetics (formerly Invitae), Labcorp
Classification: Uncertain significance. Last evaluated: 2025-09-14. Review status: criteria provided, single submitter. Criteria: Invitae Variant Classification Sherloc (09022015). Collection method: clinical testing. Allele origin: germline.
Comment: This variant, c.417_419del, results in the deletion of 1 amino acid(s) of the HOXB13 protein (p.Met140del), but otherwise preserves the integrity of the reading frame. This variant is not present in population databases (gnomAD no frequency). This variant has not been reported in the literature in individuals affected with HOXB13-related conditions. ClinVar contains an entry for this variant (Variation ID: 1367220). Experimental studies and prediction algorithms are not available or were not evaluated, and the functional significance of this variant is currently unknown. In summary, the available evidence is currently insufficient to determine the role of this variant in disease. Therefore, it has been classified as a Variant of Uncertain Significance.

Ambry Genetics
Classification: Uncertain significance for Hereditary cancer-predisposing syndrome. Last evaluated: 2025-01-08. Review status: criteria provided, single submitter. Criteria: Ambry Variant Classification Scheme 2023. Collection method: clinical testing. Allele origin: germline.
Comment: The c.417_419delTAT variant (also known as p.M140del) is located in coding exon 1 of the HOXB13 gene. This variant results from an in-frame TAT deletion at nucleotide positions 417 to 419. This results in the in-frame deletion of a methionine at codon 140. This amino acid position is not well conserved in available vertebrate species. In addition, this alteration is predicted to be deleterious by in silico analysis (Choi Y et al. PLoS ONE. 2012; 7(10):e46688). Based on the available evidence, the clinical significance of this variant remains unclear.